The following is an entry in ClinVar:

NM_000202.8(IDS):c.1272del (p.Pro425fs)

Gene: IDS (iduronate 2-sulfatase; minus strand). Cytogenetic location: Xq28.
Variant type: Deletion.
Coding change: c.1272del on transcript NM_000202.8 (MANE Select); coding-DNA position 1272, one base deleted (T; older notation c.1272delT).
Protein change: p.Pro425fs; shifts the reading frame from proline 425.
Molecular consequence: frameshift variant.
Genome position (GRCh38, 1-based): chrX:149,483,127, A deleted on the plus strand (T on the coding strand, the reverse complement: IDS is on the minus strand); the first of 2 consecutive A bases (chrX:149,483,127-149,483,128); deleting either gives the same sequence. VCF-style (leftmost placement, unchanged base first): chrX-149483126-GA-G. GRCh37 (hg19) VCF-style: chrX-148564657-GA-G.
Other names: c.1002del, p.Pro335fs (NM_001166550.4); short protein forms P335fs, P425fs.
Identifiers: ClinVar variation 997041 (VCV000997041.3), dbSNP rs2123994828, ClinGen allele CA2499226412.
Genomic context (GRCh38, chrX:149,483,126, plus strand): 5'-GGAATCGAAAATGCTTCAGAAGGTTCTTGCCTTCTCTGCACAGCTCAACGTGAAATGAAG[GA>G]ACGGGGCAGCGAGGTGGAACCTGCAGTCCTGCAAGTCCAGCCAGCGTGGGAAAAAGAGAC-3'

ClinVar aggregate classification (germline): Pathogenic/Likely pathogenic. Review status: criteria provided, multiple submitters, no conflicts (2 of 4 stars). 2 submissions from 2 submitters: Pathogenic (1); Likely pathogenic (1). Last evaluated 2024-06-07.

Conditions:
Mucopolysaccharidosis, MPS-II (MPS2). Also called: Mucopolysaccharidosis type 2; Hunter Syndrome; IDURONATE 2-SULFATASE DEFICIENCY; Mucopolysaccharidosis Type II; IDS deficiency; Sulfoiduronate sulfatase deficiency. Identifiers: Orphanet 580, Orphanet 79388, MedGen C0026705, MONDO:0010674, OMIM 309900.

Submissions (2):

Laboratory of Diagnosis and Therapy of Lysosomal Disorders, University of Padova
Classification: Likely pathogenic for Mucopolysaccharidosis, MPS-II. Last evaluated: 2024-06-07. Review status: criteria provided, single submitter. Criteria: ACMG Guidelines, 2015. Collection method: literature only. Allele origin: germline. Affected: yes. Observed: 2 variant alleles.
Comment: Null variant (PVS1_Strong), Absent from controls (or at low frequency) in gnomAD database (PM2_Moderate), Patient’s phenotype or family history highly specific for the disease (PP4_Moderate)

Classification method: ACMG Guidelines [PMID:25741868] with modifications

Department of Medical Genetics, Sanjay Gandhi Post Graduate Institute of Medical Sciences
Classification: Pathogenic for Mucopolysaccharidosis, MPS-II. Review status: criteria provided, single submitter. Criteria: ACMG Guidelines, 2015. Collection method: clinical testing. Allele origin: maternal. Inheritance: X-linked recessive inheritance. Affected: yes. Observed: 2 variant alleles, 2 hemizygotes. Clinical features observed: Motor delay (HP:0001270), Flexion contracture (HP:0001371), Coarse facial features (HP:0000280), Depressed nasal bridge (HP:0005280), Dysostosis multiplex (HP:0000943), Short stature (HP:0004322), Macrocephaly (HP:0000256), Umbilical hernia (HP:0001537), Hepatosplenomegaly (HP:0001433).

Literature cited by the submitters: PubMed 35144014 (cited by Laboratory of Diagnosis and Therapy of Lysosomal Disorders, University of Padova).